The following is an entry in ClinVar:

NM_016030.6(TRAPPC12):c.1823A>G (p.Lys608Arg)

Gene: TRAPPC12 (trafficking protein particle complex subunit 12; plus strand). Cytogenetic location: 2p25.3.
Variant type: single nucleotide variant.
Coding change: c.1823A>G on transcript NM_016030.6 (MANE Select); coding-DNA position 1823, A replaced by G.
Protein change: p.Lys608Arg; replaces lysine 608 with arginine.
Molecular consequence: missense variant.
Genome position (GRCh38, 1-based): chr2:3,477,741, A>G. VCF-style: chr2-3477741-A-G. GRCh37 (hg19) VCF-style: chr2-3481512-A-G.
Other names: c.1823A>G, p.Lys608Arg (NM_001321102.2); c.1823A>G (NM_016030.5); short protein forms K608R.
Identifiers: ClinVar variation 1896830 (VCV001896830.6), dbSNP rs753892900, ClinGen allele CA1515673.

ClinVar aggregate classification (germline): Uncertain significance. Review status: criteria provided, multiple submitters, no conflicts (2 of 4 stars). 2 submissions from 2 submitters: Uncertain significance (2). Last evaluated 2025-12-10.

Conditions:
Inborn genetic diseases. Identifiers: MedGen C0950123, MeSH D030342.

Allele frequency attached by ClinVar (database versions not stated): gnomAD 0.00001; TOPMed 0.00001; gnomAD exomes 0.00005; ExAC 0.00012.
gnomAD v4.1: 77 of 1,608,622 alleles (0.0048%); highest among the groups gnomAD compares: South Asian, 0.048%; 2 homozygotes.

Submissions (2):

Ambry Genetics
Classification: Uncertain significance for Inborn genetic diseases. Last evaluated: 2025-12-10. Review status: criteria provided, single submitter. Criteria: Ambry Variant Classification Scheme 2023. Collection method: clinical testing. Allele origin: germline.

Labcorp Genetics (formerly Invitae), Labcorp
Classification: Uncertain significance. Last evaluated: 2024-08-06. Review status: criteria provided, single submitter. Criteria: Invitae Variant Classification Sherloc (09022015). Collection method: clinical testing. Allele origin: germline.
Comment: This sequence change replaces lysine, which is basic and polar, with arginine, which is basic and polar, at codon 608 of the TRAPPC12 protein (p.Lys608Arg). This variant is present in population databases (rs753892900, gnomAD 0.05%). This variant has not been reported in the literature in individuals affected with TRAPPC12-related conditions. ClinVar contains an entry for this variant (Variation ID: 1896830). Advanced modeling of protein sequence and biophysical properties (such as structural, functional, and spatial information, amino acid conservation, physicochemical variation, residue mobility, and thermodynamic stability) performed at Invitae indicates that this missense variant is not expected to disrupt TRAPPC12 protein function with a negative predictive value of 80%. In summary, the available evidence is currently insufficient to determine the role of this variant in disease. Therefore, it has been classified as a Variant of Uncertain Significance.